The following is an entry in ClinVar:

NM_025243.4(SLC19A3):c.*1740G>C

Gene: SLC19A3 (solute carrier family 19 member 3; minus strand). Cytogenetic location: 2q36.3.
Variant type: single nucleotide variant.
Coding change: c.*1740G>C on transcript NM_025243.4 (MANE Select); 1740 bases downstream of the stop codon, G replaced by C.
Molecular consequence: 3 prime UTR variant.
Genome position (GRCh38, 1-based): chr2:227,685,657, C>G on the plus strand (G>C on the coding strand, the complement: SLC19A3 is on the minus strand). VCF-style: chr2-227685657-C-G. GRCh37 (hg19) VCF-style: chr2-228550373-C-G.
Identifiers: ClinVar variation 334847 (VCV000334847.6), dbSNP rs12105323, ClinGen allele CA10612706.

ClinVar aggregate classification (germline): Benign. Review status: criteria provided, multiple submitters, no conflicts (2 of 4 stars). 2 submissions from 2 submitters: Benign (2). Last evaluated 2018-01-12.

Conditions:
Biotin-responsive basal ganglia disease (BTBGD). Also called: Thiamine Transporter-2 Deficiency; THIAMINE METABOLISM DYSFUNCTION SYNDROME 2 (BIOTIN- AND THIAMINE-RESPONSIVE TYPE); Thiamine metabolism dysfunction syndrome type 2; Thiamine metabolism dysfunction syndrome 2 (biotin- or thiamine-responsive encephalopathy type 2); thiamine-responsive encephalopathy. Identifiers: Orphanet 199348, Orphanet 65284, MedGen C1843807, MONDO:0011841, OMIM 607483.

Allele frequency attached by ClinVar (database versions not stated): gnomAD exomes 0.01316; gnomAD 0.07249; TOPMed 0.08327; 1000 Genomes Project 0.08446; 1000 Genomes Project 30x 0.09525.
gnomAD v4.1: 11,266 of 152,430 alleles (7.4%); highest among the groups gnomAD compares: African/African-American, 24%; 1,185 homozygotes.

Submissions (2):

Illumina Laboratory Services, Illumina
Classification: Benign for Biotin-responsive basal ganglia disease. Last evaluated: 2018-01-12. Review status: criteria provided, single submitter. Criteria: ICSL Variant Classification Criteria 13 December 2019. Collection method: clinical testing. Allele origin: germline.
Comment: This variant was observed in the ICSL laboratory as part of a predisposition screen in an ostensibly healthy population. It had not been previously curated by ICSL or reported in the Human Gene Mutation Database (HGMD: prior to June 1st, 2018), and was therefore a candidate for classification through an automated scoring system. Utilizing variant allele frequency, disease prevalence and penetrance estimates, and inheritance mode, an automated score was calculated to assess if this variant is too frequent to cause the disease. Based on the score and internal cut-off values, a variant classified as benign is not then subjected to further curation. The score for this variant resulted in a classification of benign for this disease.

Breakthrough Genomics
Classification: Benign. Review status: criteria provided, single submitter. Criteria: ACMG Guidelines, 2015. Collection method: not provided. Allele origin: germline. Inheritance: Autosomal recessive inheritance. Affected: yes.